The following is an entry in ClinVar:

NM_015512.5(DNAH1):c.8200G>T (p.Val2734Phe)

Gene: DNAH1 (dynein axonemal heavy chain 1; plus strand). Cytogenetic location: 3p21.1.
Variant type: single nucleotide variant.
Coding change: c.8200G>T on transcript NM_015512.5 (MANE Select); coding-DNA position 8200, G replaced by T.
Protein change: p.Val2734Phe; replaces valine 2734 with phenylalanine.
Molecular consequence: missense variant.
Genome position (GRCh38, 1-based): chr3:52,383,909, G>T. VCF-style: chr3-52383909-G-T. GRCh37 (hg19) VCF-style: chr3-52417925-G-T.
Other names: short protein forms V2734F.
Identifiers: ClinVar variation 544626 (VCV000544626.11), dbSNP rs376888480, ClinGen allele CA2435133.
Genomic context (GRCh38, chr3:52,383,909, plus strand): 5'-TGACTTTCCAGCCCCATCGGAGAGGTCTTCCGAGCTCGTCTGAGGCAGTTTCCCTCCCTG[G>T]TCAACTGCTGTACCATCGACTGGTTTAACGAGTGGCCGGCAGAAGCCCTGAAGTCTGTGG-3'
Protein context (NP_056327.4, residues 2724-2744): RARLRQFPSL[Val2734Phe]NCCTIDWFNE

ClinVar aggregate classification (germline): Uncertain significance. Review status: criteria provided, multiple submitters, no conflicts (2 of 4 stars). 2 submissions from 2 submitters: Uncertain significance (2). Last evaluated 2025-10-06.

Conditions:
Spermatogenic failure 18. Identifiers: MedGen C4539783, MONDO:0054615, OMIM 617576.
Ciliary dyskinesia, primary, 37 (CILD37). Also called: CILIARY DYSKINESIA, PRIMARY, 37, WITH OR WITHOUT SITUS INVERSUS. Identifiers: MedGen C4539798, MONDO:0033204, OMIM 617577.

Allele frequency attached by ClinVar (database versions not stated): ESP Exome Variant Server 0.00008; TOPMed 0.00024; gnomAD 0.00028.
gnomAD v4.1: 68 of 1,611,604 alleles (0.0042%); highest among the groups gnomAD compares: African/African-American, 0.088%; no homozygotes.

Submissions (2):

Ambry Genetics
Classification: Uncertain significance. Last evaluated: 2025-10-06. Review status: criteria provided, single submitter. Criteria: Ambry Variant Classification Scheme 2023. Collection method: clinical testing. Allele origin: germline.

Labcorp Genetics (formerly Invitae), Labcorp
Classification: Uncertain significance for Ciliary dyskinesia, primary, 37; Spermatogenic failure 18. Last evaluated: 2024-12-30. Review status: criteria provided, single submitter. Criteria: Invitae Variant Classification Sherloc (09022015). Collection method: clinical testing. Allele origin: germline.
Comment: This sequence change replaces valine, which is neutral and non-polar, with phenylalanine, which is neutral and non-polar, at codon 2734 of the DNAH1 protein (p.Val2734Phe). This variant is present in population databases (rs376888480, gnomAD 0.07%). This variant has not been reported in the literature in individuals affected with DNAH1-related conditions. ClinVar contains an entry for this variant (Variation ID: 544626). Invitae Evidence Modeling of protein sequence and biophysical properties (such as structural, functional, and spatial information, amino acid conservation, physicochemical variation, residue mobility, and thermodynamic stability) indicates that this missense variant is not expected to disrupt DNAH1 protein function with a negative predictive value of 80%. In summary, the available evidence is currently insufficient to determine the role of this variant in disease. Therefore, it has been classified as a Variant of Uncertain Significance.